The following is an entry in ClinVar:

NM_002769.5(PRSS1):c.544A>C (p.Asn182His)

Genes: PRSS1 (serine protease 1; plus strand), TRB (T cell receptor beta locus; plus strand). Cytogenetic location: 7q34.
Variant type: single nucleotide variant.
Coding change: c.544A>C on transcript NM_002769.5 (MANE Select); coding-DNA position 544, A replaced by C.
Protein change: p.Asn182His; replaces asparagine 182 with histidine.
Molecular consequence: missense variant. On other transcripts: non-coding transcript variant (5).
Genome position (GRCh38, 1-based): chr7:142,752,520, A>C. VCF-style: chr7-142752520-A-C. GRCh37 (hg19) VCF-style: chr7-142460371-A-C.
Other names: short protein forms N182H.
Identifiers: ClinVar variation 3310639 (VCV003310639.1).
Genomic context (GRCh38, chr7:142,752,520, plus strand): 5'-GATGCTCCTGTGCTGAGCCAGGCTAAGTGTGAAGCCTCCTACCCTGGAAAGATTACCAGC[A>C]ACATGTTCTGTGTGGGCTTCCTTGAGGGAGGCAAGGATTCATGTCAGGTGATTTGACCAA-3'
Protein context (NP_002760.1, residues 172-192): EASYPGKITS[Asn182His]MFCVGFLEGG

ClinVar aggregate classification (germline): Uncertain significance (1 of 4 stars; one submission).

Conditions:
Hereditary pancreatitis (PCTT). Also called: PRSS1-Related Hereditary Pancreatitis; Hereditary chronic pancreatitis. Identifiers: Orphanet 676, MedGen C0238339, MONDO:0008185, OMIM 167800.

Submission:

Ambry Genetics
Classification: Uncertain significance for Hereditary pancreatitis. Last evaluated: 2024-05-22. Review status: criteria provided, single submitter. Criteria: Ambry Variant Classification Scheme 2023. Collection method: clinical testing. Allele origin: germline.
Comment: The p.N182H variant (also known as c.544A>C), located in coding exon 4 of the PRSS1 gene, results from an A to C substitution at nucleotide position 544. The asparagine at codon 182 is replaced by histidine, an amino acid with similar properties. This amino acid position is conserved. In addition, the in silico prediction for this alteration is inconclusive. Based on the available evidence, the clinical significance of this variant remains unclear.